The following is an entry in ClinVar:

NM_003235.5(TG):c.5119C>T (p.Pro1707Ser)

Gene: TG (thyroglobulin; plus strand). Cytogenetic location: 8q24.22.
Variant type: single nucleotide variant.
Coding change: c.5119C>T on transcript NM_003235.5 (MANE Select); coding-DNA position 5119, C replaced by T.
Protein change: p.Pro1707Ser; replaces proline 1707 with serine.
Molecular consequence: missense variant.
Genome position (GRCh38, 1-based): chr8:132,941,428, C>T. VCF-style: chr8-132941428-C-T. GRCh37 (hg19) VCF-style: chr8-133953673-C-T.
Other names: short protein forms P1707S.
Identifiers: ClinVar variation 361969 (VCV000361969.10), dbSNP rs61744678, ClinGen allele CA4884368.
Genomic context (GRCh38, chr8:132,941,428, plus strand): 5'-ACACTTCAGAAACGCTTTGAACCCACTGGTTTCCAAAACATGCTTTCTGGATTGTACAAC[C>T]CCATTGTGTTCTCAGCCTCAGGAGCCAATCTAACCGATGCTCACCTCTTCTGTCTTCTTG-3'
Protein context (NP_003226.4, residues 1697-1717): FQNMLSGLYN[Pro1707Ser]IVFSASGANL

ClinVar aggregate classification (germline): Benign/Likely benign. Review status: criteria provided, multiple submitters, no conflicts (2 of 4 stars). 4 submissions from 4 submitters: Benign (3); Likely benign (1). Last evaluated 2026-05-11.

Conditions:
Iodotyrosyl coupling defect (TDH3). Also called: HYPOTHYROIDISM, CONGENITAL, DUE TO DYSHORMONOGENESIS, 3; THYROID HORMONOGENESIS, GENETIC DEFECT IN, 3. Identifiers: Orphanet 95716, MedGen C0342194, MONDO:0010135, OMIM 274700.

Allele frequency attached by ClinVar (database versions not stated): gnomAD 0.07252 and 0.06776; TOPMed 0.07724; ESP Exome Variant Server 0.08119; ExAC 0.02337; 1000 Genomes Project 30x 0.07979; gnomAD exomes 0.01933 and 0.00849; 1000 Genomes Project 0.07588.
gnomAD v4.1: 23,240 of 1,614,174 alleles (1.4%); highest among the groups gnomAD compares: African/African-American, 23%; 2,085 homozygotes.

Submissions (4):

Women's Health and Genetics/Laboratory Corporation of America, LabCorp
Classification: Likely benign. Last evaluated: 2026-05-11. Review status: criteria provided, single submitter. Criteria: LabCorp Variant Classification Summary - May 2015. Collection method: clinical testing. Allele origin: germline.

Labcorp Genetics (formerly Invitae), Labcorp
Classification: Benign. Last evaluated: 2026-02-01. Review status: criteria provided, single submitter. Criteria: Invitae Variant Classification Sherloc (09022015). Collection method: clinical testing. Allele origin: germline.

Illumina Laboratory Services, Illumina
Classification: Benign for Iodotyrosyl coupling defect. Last evaluated: 2018-01-12. Review status: criteria provided, single submitter. Criteria: ICSL Variant Classification Criteria 13 December 2019. Collection method: clinical testing. Allele origin: germline.
Comment: This variant was observed in the ICSL laboratory as part of a predisposition screen in an ostensibly healthy population. It had not been previously curated by ICSL or reported in the Human Gene Mutation Database (HGMD: prior to June 1st, 2018), and was therefore a candidate for classification through an automated scoring system. Utilizing variant allele frequency, disease prevalence and penetrance estimates, and inheritance mode, an automated score was calculated to assess if this variant is too frequent to cause the disease. Based on the score and internal cut-off values, a variant classified as benign is not then subjected to further curation. The score for this variant resulted in a classification of benign for this disease.

Breakthrough Genomics
Classification: Benign. Review status: criteria provided, single submitter. Criteria: ACMG Guidelines, 2015. Collection method: not provided. Allele origin: germline. Inheritance: Autosomal recessive inheritance. Affected: yes.